The following is an entry in ClinVar:

ClinVar aggregate classification (germline): Uncertain significance (1 of 4 stars; one submission).

Allele frequency attached by ClinVar (database versions not stated): gnomAD exomes below 0.00001; ExAC 0.00001; gnomAD 0.00001.
gnomAD v4.1: 4 of 1,604,412 alleles (0.00025%); highest among the groups gnomAD compares: Middle Eastern, 0.017%; no homozygotes.

Submission:

Labcorp Genetics (formerly Invitae), Labcorp
Classification: Uncertain significance. Last evaluated: 2023-10-03. Review status: criteria provided, single submitter. Criteria: Invitae Variant Classification Sherloc (09022015). Collection method: clinical testing. Allele origin: germline.
Comment: This sequence change replaces aspartic acid, which is acidic and polar, with asparagine, which is neutral and polar, at codon 371 of the LARS2 protein (p.Asp371Asn). This variant is present in population databases (rs769300447, gnomAD 0.002%). This variant has not been reported in the literature in individuals affected with LARS2-related conditions. ClinVar contains an entry for this variant (Variation ID: 1961803). Advanced modeling of protein sequence and biophysical properties (such as structural, functional, and spatial information, amino acid conservation, physicochemical variation, residue mobility, and thermodynamic stability) performed at Invitae indicates that this missense variant is not expected to disrupt LARS2 protein function. In summary, the available evidence is currently insufficient to determine the role of this variant in disease. Therefore, it has been classified as a Variant of Uncertain Significance.

NM_015340.4(LARS2):c.1111G>A (p.Asp371Asn)

Genes: LARS2 (leucyl-tRNA synthetase 2, mitochondrial; plus strand), LARS2-AS1 (LARS2 antisense RNA 1; minus strand). Cytogenetic location: 3p21.31.
Variant type: single nucleotide variant.
Coding change: c.1111G>A on transcript NM_015340.4 (MANE Select); coding-DNA position 1111, G replaced by A.
Protein change: p.Asp371Asn; replaces aspartic acid 371 with asparagine.
Molecular consequence: missense variant.
Genome position (GRCh38, 1-based): chr3:45,485,784, G>A. VCF-style: chr3-45485784-G-A. GRCh37 (hg19) VCF-style: chr3-45527276-G-A.
Other names: c.1111G>A, p.Asp371Asn (NM_001368263.1); short protein forms D371N.
Identifiers: ClinVar variation 1961803 (VCV001961803.5), dbSNP rs769300447, ClinGen allele CA2349509.
Genomic context (GRCh38, chr3:45,485,784, plus strand): 5'-CTTACCCAGCAGGAGGTCCCTGTCGTTATTTTGGCCAAAGCTGACTTGGAAGGCTCTCTG[G>A]ATTCAAAAATAGGTAAGCAGCTATTAAAATGTAACCACAACGGTATATTTTGCAGATTTA-3'
Protein context (NP_056155.1, residues 361-381): LAKADLEGSL[Asp371Asn]SKIGIPSTSS